The following is an entry in ClinVar:

ClinVar aggregate classification (germline): Uncertain significance (1 of 4 stars; one submission).

Conditions:
Primary ciliary dyskinesia. Also called: Ciliary dyskinesia. Identifiers: Orphanet 244, MedGen C0008780, MONDO:0016575, HP:0012265.

Allele frequency attached by ClinVar (database versions not stated): gnomAD exomes below 0.00001.
gnomAD v4.1: 1 of 1,613,988 alleles (0.000062%); highest among the groups gnomAD compares: East Asian, 0.0022%; no homozygotes.

Submission:

Labcorp Genetics (formerly Invitae), Labcorp
Classification: Uncertain significance for Primary ciliary dyskinesia. Last evaluated: 2024-02-17. Review status: criteria provided, single submitter. Criteria: Invitae Variant Classification Sherloc (09022015). Collection method: clinical testing. Allele origin: germline.
Comment: This sequence change replaces aspartic acid, which is acidic and polar, with histidine, which is basic and polar, at codon 544 of the DNAAF3 protein (p.Asp544His). This variant is present in population databases (no rsID available, gnomAD 0.006%). This variant has not been reported in the literature in individuals affected with DNAAF3-related conditions. ClinVar contains an entry for this variant (Variation ID: 2105547). An algorithm developed to predict the effect of missense changes on protein structure and function (PolyPhen-2) suggests that this variant is likely to be disruptive. In summary, the available evidence is currently insufficient to determine the role of this variant in disease. Therefore, it has been classified as a Variant of Uncertain Significance.

NM_001256715.2(DNAAF3):c.1429G>C (p.Asp477His)

Gene: DNAAF3 (dynein axonemal assembly factor 3; minus strand). Cytogenetic location: 19q13.42.
Variant type: single nucleotide variant.
Coding change: c.1429G>C on transcript NM_001256715.2 (MANE Select); coding-DNA position 1429, G replaced by C.
Protein change: p.Asp477His; replaces aspartic acid 477 with histidine.
Molecular consequence: missense variant.
Genome position (GRCh38, 1-based): chr19:55,159,259, C>G on the plus strand (G>C on the coding strand, the complement: DNAAF3 is on the minus strand). VCF-style: chr19-55159259-C-G. GRCh37 (hg19) VCF-style: chr19-55670627-C-G.
Other names: c.1630G>C, p.Asp544His (NM_001256714.1); c.1267G>C, p.Asp423His (NM_001256716.2); c.1570G>C, p.Asp524His (NM_178837.4); short protein forms D423H, D477H, D524H, D544H.
Identifiers: ClinVar variation 2105547 (VCV002105547.4), dbSNP rs1448187041, ClinGen allele CA407445953.